The following is an entry in ClinVar:

NM_007186.6(CEP250):c.5161C>T (p.Arg1721Cys)

Gene: CEP250 (centrosomal protein 250; plus strand). Cytogenetic location: 20q11.22.
Variant type: single nucleotide variant.
Coding change: c.5161C>T on transcript NM_007186.6 (MANE Select); coding-DNA position 5161, C replaced by T.
Protein change: p.Arg1721Cys; replaces arginine 1721 with cysteine.
Molecular consequence: missense variant.
Genome position (GRCh38, 1-based): chr20:35,503,530, C>T. VCF-style: chr20-35503530-C-T. GRCh37 (hg19) VCF-style: chr20-34091358-C-T.
Other names: c.3265C>T, p.Arg1089Cys (NM_001318219.1); c.5161C>T (NM_007186.5, NM_007186.3); short protein forms R1089C, R1721C.
Identifiers: ClinVar variation 1129459 (VCV001129459.13), dbSNP rs754782740, ClinGen allele CA9833836.

ClinVar aggregate classification (germline): Conflicting classifications of pathogenicity. Review status: criteria provided, conflicting classifications (1 of 4 stars). 4 submissions from 4 submitters: Uncertain significance (1); Likely benign (3). Last evaluated 2025-12-29.

Conditions:
CEP250-related disorder. Also called: CEP250-related condition.

Allele frequency attached by ClinVar (database versions not stated): ExAC 0.00003; gnomAD exomes 0.00027; TOPMed 0.00074; gnomAD 0.00089 and 0.00092.
gnomAD v4.1: 224 of 1,613,858 alleles (0.014%); highest among the groups gnomAD compares: Admixed American, 0.36%; 3 homozygotes.

Submissions (4):

Labcorp Genetics (formerly Invitae), Labcorp
Classification: Likely benign. Last evaluated: 2025-12-29. Review status: criteria provided, single submitter. Criteria: Invitae Variant Classification Sherloc (09022015). Collection method: clinical testing. Allele origin: germline.

Ambry Genetics
Classification: Uncertain significance. Last evaluated: 2025-10-06. Review status: criteria provided, single submitter. Criteria: Ambry Variant Classification Scheme 2023. Collection method: clinical testing. Allele origin: germline.

PreventionGenetics, part of Exact Sciences
Classification: Likely benign for CEP250-related condition. Last evaluated: 2025-05-19. Review status: criteria provided, single submitter. Criteria: ACMG Guidelines, 2015. Collection method: clinical testing. Allele origin: germline.
Comment: This variant is classified as likely benign based on ACMG/AMP sequence variant interpretation guidelines (Richards et al. 2015 PMID: 25741868, with internal and published modifications).

Blueprint Genetics
Classification: Likely benign. Last evaluated: 2024-04-19. Review status: criteria provided, single submitter. Criteria: ACMG Guidelines, 2015. Collection method: clinical testing. Allele origin: germline.